The following is an entry in ClinVar:

NM_000455.5(STK11):c.*613C>T

Gene: STK11 (serine/threonine kinase 11; plus strand). Cytogenetic location: 19p13.3.
Variant type: single nucleotide variant.
Coding change: c.*613C>T on transcript NM_000455.5 (MANE Select); 613 bases downstream of the stop codon, C replaced by T.
Molecular consequence: 3 prime UTR variant.
Genome position (GRCh38, 1-based): chr19:1,228,189, C>T. VCF-style: chr19-1228189-C-T. GRCh37 (hg19) VCF-style: chr19-1228188-C-T.
Identifiers: ClinVar variation 891053 (VCV000891053.5), dbSNP rs543187681, ClinGen allele CA304035971.

ClinVar aggregate classification (germline): Likely benign. Review status: criteria provided, multiple submitters, no conflicts (2 of 4 stars). 2 submissions from 2 submitters: Likely benign (2). Last evaluated 2018-01-12.

Conditions:
Peutz-Jeghers syndrome (PJS). Also called: POLYPOSIS, HAMARTOMATOUS INTESTINAL; POLYPS-AND-SPOTS SYNDROME; Peutz-Jeghers polyposis; Periorificial lentiginosis syndrome. Identifiers: Orphanet 2869, MedGen C0031269, MeSH D010580, MONDO:0008280, OMIM 175200.

Allele frequency attached by ClinVar (database versions not stated): 1000 Genomes Project 0.00140; 1000 Genomes Project 30x 0.00219; gnomAD 0.00300 and 0.00306; TOPMed 0.00308.
gnomAD v4.1: 3,377 of 1,038,684 alleles (0.33%); highest among the groups gnomAD compares: Middle Eastern, 3%; 17 homozygotes.

Submissions (2):

Illumina Laboratory Services, Illumina
Classification: Likely benign for Peutz-Jeghers syndrome. Last evaluated: 2018-01-12. Review status: criteria provided, single submitter. Criteria: ICSL Variant Classification Criteria 13 December 2019. Collection method: clinical testing. Allele origin: germline.
Comment: This variant was observed in the ICSL laboratory as part of a predisposition screen in an ostensibly healthy population. It had not been previously curated by ICSL or reported in the Human Gene Mutation Database (HGMD: prior to June 1st, 2018), and was therefore a candidate for classification through an automated scoring system. Utilizing variant allele frequency, disease prevalence and penetrance estimates, and inheritance mode, an automated score was calculated to assess if this variant is too frequent to cause the disease. Based on the score and internal cut-off values, a variant classified as likely benign is not then subjected to further curation. The score for this variant resulted in a classification of likely benign for this disease.

Breakthrough Genomics
Classification: Likely benign. Review status: criteria provided, single submitter. Criteria: ACMG Guidelines, 2015. Collection method: not provided. Allele origin: germline. Inheritance: Autosomal dominant inheritance. Affected: yes.